The following is an entry in ClinVar:

NM_018319.4(TDP1):c.731C>G (p.Pro244Arg)

Gene: TDP1 (tyrosyl-DNA phosphodiesterase 1; plus strand). Cytogenetic location: 14q32.11.
Variant type: single nucleotide variant.
Coding change: c.731C>G on transcript NM_018319.4 (MANE Select); coding-DNA position 731, C replaced by G.
Protein change: p.Pro244Arg; replaces proline 244 with arginine.
Molecular consequence: missense variant.
Genome position (GRCh38, 1-based): chr14:89,971,246, C>G. VCF-style: chr14-89971246-C-G. GRCh37 (hg19) VCF-style: chr14-90437590-C-G.
Other names: c.731C>G, p.Pro244Arg (NM_001008744.2, NM_001330205.2); short protein forms P244R.
Identifiers: ClinVar variation 618420 (VCV000618420.9), dbSNP rs779863680, ClinGen allele CA7303680.
Genomic context (GRCh38, chr14:89,971,246, plus strand): 5'-TCCTGCTTGTGCATGGTGATAAGCGAGAGGCTAAGGCTCACCTCCATGCCCAGGCCAAGC[C>G]TTACGAGAACATCTCTCTCTGCCAGGTAAGCCACTTACTGCCGTTGGAGAGCACGCGTAG-3'
Protein context (NP_060789.2, residues 234-254): AKAHLHAQAK[Pro244Arg]YENISLCQAK

ClinVar aggregate classification (germline): Uncertain significance (1 of 4 stars; one submission).

Allele frequency attached by ClinVar (database versions not stated): ExAC 0.00001; gnomAD 0.00003 and 0.00004; TOPMed 0.00005.
gnomAD v4.1: 7 of 1,613,984 alleles (0.00043%); highest among the groups gnomAD compares: Admixed American, 0.0067%; no homozygotes.

Submission:

ARUP Laboratories, Molecular Genetics and Genomics, ARUP Laboratories
Classification: Uncertain significance. Last evaluated: 2017-12-12. Review status: criteria provided, single submitter. Criteria: ARUP Molecular Germline Variant Investigation Process. Collection method: clinical testing. Allele origin: germline.
Comment: The p.Pro244Arg variant (rs779863680) has not been reported in the medical literature, gene specific variation databases, nor has it been previously identified by our laboratory. This variant is listed in the Genome Aggregation Database (gnomAD) identified on 2 out of 277,248 chromosomes. The proline at position 244 is moderately conserved considering 12 species (Alamut v2.10) and computational analyses of the effects of the p.Pro244Arg variant on protein structure and function provide conflicting results (SIFT: tolerated, MutationTaster: disease causing, PolyPhen-2: benign). Altogether, there is not enough evidence to classify the p.Pro244Arg variant with certainty.